The following is an entry in ClinVar:

NM_000489.6(ATRX):c.4365GGA[6] (p.Glu1464dup)

Gene: ATRX (ATRX chromatin remodeler; minus strand). Cytogenetic location: Xq21.1.
Variant type: Microsatellite.
Coding change: c.4365GGA[6] on transcript NM_000489.6 (MANE Select); six copies in a row of the 3-base unit GGA starting at c.4365; the reference has five copies in a row; one copy, 3 bases duplicated; also written c.4377_4379dup.
Protein change: p.Glu1464dup; duplicates glutamic acid 1464.
Molecular consequence: inframe insertion.
Genome position (GRCh38, 1-based): chrX:77,652,292-77,652,294, TCC duplicated on the plus strand (GGA on the coding strand, the reverse complement: ATRX is on the minus strand); duplicating any 3 consecutive bases within chrX:77,652,292-77,652,308 gives the same sequence; the position shown is the placement nearest the transcript's 3' end. VCF-style (leftmost placement, unchanged base first): chrX-77652291-T-TTCC. GRCh37 (hg19) VCF-style: chrX-76907781-T-TTCC.
Other names: c.4377_4379dup (NM_000489.3); c.4251GGA[6], p.Glu1426dup (NM_138270.5).
Identifiers: ClinVar variation 133645 (VCV000133645.8), dbSNP rs398123423, ClinGen allele CA157215.

ClinVar aggregate classification (germline): Uncertain significance. Review status: criteria provided, multiple submitters, no conflicts (2 of 4 stars). 3 submissions from 3 submitters: Uncertain significance (2). 1 of the submissions does not count toward it. Last evaluated 2022-11-16.

Conditions:
Alpha thalassemia-X-linked intellectual disability syndrome (ATRX). Also called: X-linked alpha-thalassemia-mental retardation syndrome; ALPHA-THALASSEMIA/MENTAL RETARDATION SYNDROME, X-LINKED; ATR, NONDELETION TYPE; ATR-X syndrome; Alpha thalassemia mental retardation syndrome, nondeletion type, X-linked; XLMR hypotonic face syndrome. Identifiers: Orphanet 847, MedGen C1845055, MONDO:0010519, OMIM 301040.

Submissions (3):

GeneDx
Classification: Uncertain significance. Last evaluated: 2022-11-16. Review status: criteria provided, single submitter. Criteria: GeneDx Variant Classification Process June 2021. Collection method: clinical testing. Allele origin: germline. Affected: yes.
Comment: In-frame duplication of one amino acid in a repetitive region with no known function; Has not been previously published as pathogenic or benign to our knowledge; This variant is associated with the following publications: (PMID: 24728327)

Labcorp Genetics (formerly Invitae), Labcorp
Classification: Uncertain significance for Alpha thalassemia-X-linked intellectual disability syndrome. Last evaluated: 2021-09-24. Review status: criteria provided, single submitter. Criteria: Invitae Variant Classification Sherloc (09022015). Collection method: clinical testing. Allele origin: germline.
Comment: This variant, c.4377_4379dup, results in the insertion of 1 amino acid(s) to the ATRX protein (p.Glu1464dup), but otherwise preserves the integrity of the reading frame. The frequency data for this variant in the population databases is considered unreliable, as metrics indicate poor data quality at this position in the ExAC database. This variant has not been reported in the literature in individuals affected with ATRX-related conditions. Experimental studies and prediction algorithms are not available or were not evaluated, and the functional significance of this variant is currently unknown. In summary, the available evidence is currently insufficient to determine the role of this variant in disease. Therefore, it has been classified as a Variant of Uncertain Significance.

ITMI
No classification provided. Condition: AllHighlyPenetrant. Last evaluated: 2013-09-19. Review status: no classification provided. Collection method: reference population. Allele origin: germline. Not counted in ClinVar's aggregate classification.
Comment: Please see associated publication for description of ethnicities

Literature cited by the submitters: PubMed 24728327 (cited by ITMI).